The following is an entry in ClinVar:

ClinVar aggregate classification (germline): Conflicting classifications of pathogenicity. Review status: criteria provided, conflicting classifications (1 of 4 stars). 3 submissions from 3 submitters: Uncertain significance (2); Likely benign (1). Last evaluated 2025-02-06.

Conditions:
Distal myopathy with posterior leg and anterior hand involvement. Also called: WILLIAMS DISTAL MYOPATHY. Identifiers: Orphanet 63273, MedGen C3279722, MONDO:0013550, OMIM 614065.
Hypertrophic cardiomyopathy 26. Also called: Cardiomyopathy, familial hypertrophic, 26. Identifiers: Orphanet 75249, MedGen C4310749, MONDO:0014883, OMIM 617047.
Myofibrillar myopathy 5. Also called: Filaminopathy (type); FILAMINOPATHY, AUTOSOMAL DOMINANT. Identifiers: Orphanet 171445, MedGen C1836050, MONDO:0012289, OMIM 609524.
Cardiovascular phenotype. Identifiers: MedGen CN230736.
FLNC-related disorder. Also called: FLNC-related disorders; FLNC-related condition.

gnomAD v4.1: 31 of 1,614,082 alleles (0.0019%); highest among the groups gnomAD compares: East Asian, 0.013%; no homozygotes.

Submissions (3):

Labcorp Genetics (formerly Invitae), Labcorp
Classification: Likely benign for Distal myopathy with posterior leg and anterior hand involvement; Myofibrillar myopathy 5; Hypertrophic cardiomyopathy 26. Last evaluated: 2025-02-06. Review status: criteria provided, single submitter. Criteria: Invitae Variant Classification Sherloc (09022015). Collection method: clinical testing. Allele origin: germline.

PreventionGenetics, part of Exact Sciences
Classification: Uncertain significance for FLNC-related condition. Last evaluated: 2022-10-17. Review status: criteria provided, single submitter. Criteria: ACMG Guidelines, 2015. Collection method: clinical testing. Allele origin: germline.
Comment: The FLNC c.5042C>T variant is predicted to result in the amino acid substitution p.Thr1681Met. This variant was reported as uncertain significance in an individual with hypertrophic cardiomyopathy (Table 3, Gómez et al. 2017. PubMed ID: 28356264). This variant is reported in 0.046% of alleles in individuals of East Asian descent in gnomAD. At this time, the clinical significance of this variant is uncertain due to the absence of conclusive functional and genetic evidence.

Ambry Genetics
Classification: Uncertain significance for Cardiovascular phenotype. Last evaluated: 2019-10-21. Review status: criteria provided, single submitter. Criteria: Ambry Variant Classification Scheme 2023. Collection method: clinical testing. Allele origin: germline.
Comment: The p.T1681M variant (also known as c.5042C>T), located in coding exon 30 of the FLNC gene, results from a C to T substitution at nucleotide position 5042. The threonine at codon 1681 is replaced by methionine, an amino acid with similar properties. This variant was reported in a hypertrophic cardiomyopathy cohort; however, clinical details were limited (G&oacute;mez J et al. Circ Cardiovasc Genet, 2017 Apr;10:[Epub ahead of print]). This amino acid position is not well conserved in available vertebrate species. In addition, the in silico prediction for this alteration is inconclusive. Since supporting evidence is limited at this time, the clinical significance of this alteration remains unclear.

Literature cited by the submitters: PubMed 28356264 (cited by Ambry Genetics).

NM_001458.5(FLNC):c.5042C>T (p.Thr1681Met)

Gene: FLNC (filamin C; plus strand). Cytogenetic location: 7q32.1.
Variant type: single nucleotide variant.
Coding change: c.5042C>T on transcript NM_001458.5 (MANE Select); coding-DNA position 5042, C replaced by T.
Protein change: p.Thr1681Met; replaces threonine 1681 with methionine.
Molecular consequence: missense variant.
Genome position (GRCh38, 1-based): chr7:128,849,421, C>T. VCF-style: chr7-128849421-C-T. GRCh37 (hg19) VCF-style: chr7-128489475-C-T.
Other names: c.5042C>T, p.Thr1681Met (NM_001127487.2); short protein forms T1681M.
Identifiers: ClinVar variation 1372469 (VCV001372469.11), dbSNP rs193159707, ClinGen allele CA4475548.
Genomic context (GRCh38, chr7:128,849,421, plus strand): 5'-GGCAGGAGACGGTGATCACGGTGGATGCCAAGGCAGCCGGTGAGGGGAAGGTGACATGCA[C>T]GGTGTCCACGCCGGATGGGGCAGAGCTCGATGTGGATGTGGTTGAGAACCATGACGGTAC-3'
Protein context (NP_001449.3, residues 1671-1691): KAAGEGKVTC[Thr1681Met]VSTPDGAELD